The following is an entry in ClinVar:

ClinVar aggregate classification (germline): Uncertain significance (1 of 4 stars; one submission).

Submission:

Women's Health and Genetics/Laboratory Corporation of America, LabCorp
Classification: Uncertain significance. Last evaluated: 2026-01-12. Review status: criteria provided, single submitter. Criteria: LabCorp Variant Classification Summary - May 2015. Collection method: clinical testing. Allele origin: germline.
Comment: Variant summary: IHH c.746G>A (p.Arg249His) results in a non-conservative amino acid change in the encoded protein sequence. Algorithms developed to predict the effect of missense changes on protein structure and function all suggest that this variant is likely to be disruptive. The variant allele was found at a frequency of 1.2e-05 in 250978 control chromosomes. The available data on variant occurrences in the general population are insufficient to allow any conclusion about variant significance. To our knowledge, no occurrence of c.746G>A in individuals affected with IHH-related conditions and no experimental evidence demonstrating its impact on protein function have been reported. No submitters have cited clinical-significance assessments for this variant to ClinVar. Based on the evidence outlined above, the variant was classified as uncertain significance.

NM_002181.4(IHH):c.746G>A (p.Arg249His)

Gene: IHH (Indian hedgehog signaling molecule; minus strand). Cytogenetic location: 2q35.
Variant type: single nucleotide variant.
Coding change: c.746G>A on transcript NM_002181.4 (MANE Select); coding-DNA position 746, G replaced by A.
Protein change: p.Arg249His; replaces arginine 249 with histidine.
Molecular consequence: missense variant.
Genome position (GRCh38, 1-based): chr2:219,055,697, C>T on the plus strand (G>A on the coding strand, the complement: IHH is on the minus strand). VCF-style: chr2-219055697-C-T. GRCh37 (hg19) VCF-style: chr2-219920419-C-T.
Other names: short protein forms R249H.
Identifiers: ClinVar variation 4689457 (VCV004689457.1).